The following is an entry in ClinVar:

NM_032242.4(PLXNA1):c.4702C>T (p.Leu1568=)

Gene: PLXNA1 (plexin A1; plus strand). Cytogenetic location: 3q21.3.
Variant type: single nucleotide variant.
Coding change: c.4702C>T on transcript NM_032242.4 (MANE Select); coding-DNA position 4702, C replaced by T.
Protein change: p.Leu1568=; no amino-acid change (leucine 1568 retained).
Molecular consequence: synonymous variant.
Genome position (GRCh38, 1-based): chr3:127,029,025, C>T. VCF-style: chr3-127029025-C-T. GRCh37 (hg19) VCF-style: chr3-126747868-C-T.
Other names: c.4702C>T (NM_032242.3).
Identifiers: ClinVar variation 1920554 (VCV001920554.7), dbSNP rs775565121, ClinGen allele CA2594472.
Genomic context (GRCh38, chr3:127,029,025, plus strand): 5'-CCCACCCTCCAGCTCCCTCCTCCCCCAGAGTGGCGCCAGGGCCGCATGGCGCGCATCATC[C>T]TGCAGGACGAGGACGTCACCACCAAGATTGACAACGATTGGAAGAGGCTGAACACACTGG-3'
Protein context (NP_115618.3, residues 1558-1578): WRQGRMARII[Leu1568=]QDEDVTTKID

ClinVar aggregate classification (germline): Uncertain significance. Review status: criteria provided, single submitter (1 of 4 stars). 2 submissions from 2 submitters: Uncertain significance (1). 1 of the submissions does not count toward it. Last evaluated 2022-10-17.

Conditions:
PLXNA1-related disorder. Also called: PLXNA1-related condition.

Allele frequency attached by ClinVar (database versions not stated): ExAC 0.00001.
gnomAD v4.1: 7 of 1,613,602 alleles (0.00043%); highest among the groups gnomAD compares: Admixed American, 0.0017%; no homozygotes.

Submissions (2):

Labcorp Genetics (formerly Invitae), Labcorp
Classification: Uncertain significance. Last evaluated: 2022-10-17. Review status: criteria provided, single submitter. Criteria: Invitae Variant Classification Sherloc (09022015). Collection method: clinical testing. Allele origin: germline.
Comment: This variant has not been reported in the literature in individuals affected with PLXNA1-related conditions. This variant is present in population databases (rs775565121, gnomAD 0.003%). This sequence change affects codon 1568 of the PLXNA1 mRNA. It is a 'silent' change, meaning that it does not change the encoded amino acid sequence of the PLXNA1 protein. In summary, the available evidence is currently insufficient to determine the role of this variant in disease. Therefore, it has been classified as a Variant of Uncertain Significance. Algorithms developed to predict the effect of sequence changes on RNA splicing suggest that this variant may create or strengthen a splice site.

PreventionGenetics, part of Exact Sciences
Classification: Likely benign for PLXNA1-related condition. Last evaluated: 2022-02-03. Review status: no assertion criteria provided. Collection method: clinical testing. Allele origin: germline. Not counted in ClinVar's aggregate classification.
Comment: This variant is classified as likely benign based on ACMG/AMP sequence variant interpretation guidelines (Richards et al. 2015 PMID: 25741868, with internal and published modifications).